The following is an entry in ClinVar:

NM_181078.3(IL21R):c.605C>T (p.Ala202Val)

Gene: IL21R (interleukin 21 receptor; plus strand). Cytogenetic location: 16p12.1.
Variant type: single nucleotide variant.
Coding change: c.605C>T on transcript NM_181078.3 (MANE Select); coding-DNA position 605, C replaced by T.
Protein change: p.Ala202Val; replaces alanine 202 with valine.
Molecular consequence: missense variant.
Genome position (GRCh38, 1-based): chr16:27,444,639, C>T. VCF-style: chr16-27444639-C-T. GRCh37 (hg19) VCF-style: chr16-27455960-C-T.
Other names: c.605C>T, p.Ala202Val (NM_021798.4); c.671C>T, p.Ala224Val (NM_181079.5); c.671C>T (NM_181079.4); short protein forms A202V, A224V.
Identifiers: ClinVar variation 654227 (VCV000654227.10), dbSNP rs147673485, ClinGen allele CA7975020.

ClinVar aggregate classification (germline): Uncertain significance. Review status: criteria provided, multiple submitters, no conflicts (2 of 4 stars). 3 submissions from 3 submitters: Uncertain significance (3). Last evaluated 2024-01-19.

Conditions:
Cryptosporidiosis-chronic cholangitis-liver disease syndrome. Also called: IL21R immunodeficiency; Immunodeficiency type 56. Identifiers: Orphanet 357329, MedGen C3554687, MONDO:0014082, OMIM 615207.
IgE responsiveness, atopic. Also called: IMMUNOGLOBULIN E, BASIC LEVEL OF, IN SERUM. Identifiers: MedGen C1840253, MONDO:0007817, OMIM 147050.
Inborn genetic diseases. Identifiers: MedGen C0950123, MeSH D030342.

Allele frequency attached by ClinVar (database versions not stated): gnomAD exomes 0.00013; ExAC 0.00015; gnomAD 0.00052 and 0.00055; TOPMed 0.00063; ESP Exome Variant Server 0.00077; 1000 Genomes Project 30x 0.00078; 1000 Genomes Project 0.00080.
gnomAD v4.1: 139 of 1,589,142 alleles (0.0087%); highest among the groups gnomAD compares: African/African-American, 0.18%; no homozygotes.

Submissions (3):

Ambry Genetics
Classification: Uncertain significance for Inborn genetic diseases. Last evaluated: 2024-01-19. Review status: criteria provided, single submitter. Criteria: Ambry Variant Classification Scheme 2023. Collection method: clinical testing. Allele origin: germline.

Labcorp Genetics (formerly Invitae), Labcorp
Classification: Uncertain significance for Cryptosporidiosis-chronic cholangitis-liver disease syndrome. Last evaluated: 2023-11-27. Review status: criteria provided, single submitter. Criteria: Invitae Variant Classification Sherloc (09022015). Collection method: clinical testing. Allele origin: germline.
Comment: This sequence change replaces alanine, which is neutral and non-polar, with valine, which is neutral and non-polar, at codon 202 of the IL21R protein (p.Ala202Val). This variant is present in population databases (rs147673485, gnomAD 0.2%). This variant has not been reported in the literature in individuals affected with IL21R-related conditions. ClinVar contains an entry for this variant (Variation ID: 654227). Advanced modeling of protein sequence and biophysical properties (such as structural, functional, and spatial information, amino acid conservation, physicochemical variation, residue mobility, and thermodynamic stability) has been performed at Invitae for this missense variant, however the output from this modeling did not meet the statistical confidence thresholds required to predict the impact of this variant on IL21R protein function. In summary, the available evidence is currently insufficient to determine the role of this variant in disease. Therefore, it has been classified as a Variant of Uncertain Significance.

Fulgent Genetics
Classification: Uncertain significance for IgE responsiveness, atopic; Cryptosporidiosis-chronic cholangitis-liver disease syndrome. Last evaluated: 2022-04-16. Review status: criteria provided, single submitter. Criteria: ACMG Guidelines, 2015. Collection method: clinical testing. Allele origin: unknown.